The following is an entry in ClinVar:

ClinVar aggregate classification (germline): Uncertain significance. Review status: criteria provided, multiple submitters, no conflicts (2 of 4 stars). 2 submissions from 2 submitters: Uncertain significance (2). Last evaluated 2025-12-15.

Conditions:
EPILEPSY, CHILDHOOD ABSENCE, SUSCEPTIBILITY TO, 2 (ECA2). Identifiers: Orphanet 64280, MedGen C1843244, OMIM 607681.
Febrile seizures, familial, 8 (FEB8). Also called: CONVULSIONS, FAMILIAL FEBRILE, 8. Identifiers: Orphanet 36387, MedGen C1969810, MONDO:0011891, OMIM 607681.

Allele frequency attached by ClinVar (database versions not stated): gnomAD exomes below 0.00001 and 0.00001; TOPMed below 0.00001; gnomAD 0.00001.
gnomAD v4.1: 2 of 1,613,156 alleles (0.00012%); highest among the groups gnomAD compares: Admixed American, 0.0033%; no homozygotes.

Submissions (2):

Labcorp Genetics (formerly Invitae), Labcorp
Classification: Uncertain significance for Febrile seizures, familial, 8; EPILEPSY, CHILDHOOD ABSENCE, SUSCEPTIBILITY TO, 2. Last evaluated: 2025-12-15. Review status: criteria provided, single submitter. Criteria: Invitae Variant Classification Sherloc (09022015). Collection method: clinical testing. Allele origin: germline.
Comment: This sequence change replaces glycine, which is neutral and non-polar, with aspartic acid, which is acidic and polar, at codon 64 of the GABRG2 protein (p.Gly64Asp). This variant is present in population databases (no rsID available, gnomAD 0.006%). This variant has not been reported in the literature in individuals affected with GABRG2-related conditions. ClinVar contains an entry for this variant (Variation ID: 568209). Invitae Evidence Modeling of protein sequence and biophysical properties (such as structural, functional, and spatial information, amino acid conservation, physicochemical variation, residue mobility, and thermodynamic stability) indicates that this missense variant is not expected to disrupt GABRG2 protein function with a negative predictive value of 95%. In summary, the available evidence is currently insufficient to determine the role of this variant in disease. Therefore, it has been classified as a Variant of Uncertain Significance.

Revvity Omics, Revvity
Classification: Uncertain significance. Last evaluated: 2020-12-15. Review status: criteria provided, single submitter. Criteria: ACMG Guidelines, 2015. Collection method: clinical testing. Allele origin: germline.

NM_198904.4(GABRG2):c.191G>A (p.Gly64Asp)

Gene: GABRG2 (gamma-aminobutyric acid type A receptor subunit gamma2; plus strand). Cytogenetic location: 5q34.
Variant type: single nucleotide variant.
Coding change: c.191G>A on transcript NM_198904.4 (MANE Select); coding-DNA position 191, G replaced by A.
Protein change: p.Gly64Asp; replaces glycine 64 with aspartic acid.
Molecular consequence: missense variant. On other transcripts: 5 prime UTR variant (3).
Genome position (GRCh38, 1-based): chr5:162,093,911, G>A. VCF-style: chr5-162093911-G-A. GRCh37 (hg19) VCF-style: chr5-161520917-G-A.
Other names: c.191G>A, p.Gly64Asp (NM_000816.3, NM_001375340.1, NM_001375341.1 and 4 more transcripts); c.182G>A, p.Gly61Asp (NM_001375339.1); c.125G>A, p.Gly42Asp (NM_001375345.1, NM_001375346.1); c.104G>A, p.Gly35Asp (NM_001375347.1); c.-168G>A (NM_001375348.1, NM_001375350.1); c.-95G>A (NM_001375349.1); short protein forms G64D, G35D, G42D, G61D.
Identifiers: ClinVar variation 568209 (VCV000568209.13), dbSNP rs1408343754, ClinGen allele CA362183014.